The following is an entry in ClinVar:

NM_007294.4(BRCA1):c.212+8A>C

Gene: BRCA1 (BRCA1 DNA repair associated; minus strand). Cytogenetic location: 17q21.31.
Variant type: single nucleotide variant.
Coding change: c.212+8A>C on transcript NM_007294.4 (MANE Select); 8 bases into the intron after coding-DNA position 212, A replaced by C.
Molecular consequence: intron variant.
Genome position (GRCh38, 1-based): chr17:43,106,448, T>G on the plus strand (A>C on the coding strand, the complement: BRCA1 is on the minus strand). VCF-style: chr17-43106448-T-G. GRCh37 (hg19) VCF-style: chr17-41258465-T-G.
Other names: c.212+8A>C (NM_001408441.1, NM_001408437.1, NM_001408429.1 and 167 more transcripts); c.71+8A>C (NM_001407724.1, NM_001407697.1, NM_001407838.1 and 99 more transcripts); c.135-1492A>C (NM_001408415.1, NM_001408475.1, NM_001407875.1 and 21 more transcripts); c.2+30A>C (NM_001408483.1, NM_001407885.1, NM_001407886.1 and 58 more transcripts); c.-218-11588A>C (NM_001407967.1, NM_001407966.1); c.-169-1492A>C (NM_001407959.1, NM_001407962.1, NM_001408512.1 and 4 more transcripts); c.81-1492A>C (NM_001408451.1).
Identifiers: ClinVar variation 868797 (VCV000868797.3), dbSNP rs2054766862, ClinGen allele CA916080868.

Conditions:
Breast-ovarian cancer, familial, susceptibility to, 1 (BROVCA1). Also called: BRCA1 Hereditary Breast and Ovarian Cancer; OVARIAN CANCER, SUSCEPTIBILITY TO. Identifiers: Orphanet 145, MedGen C2676676, MONDO:0011450, OMIM 604370. Disease mechanism: loss of function.

Submission:

Brotman Baty Institute, University of Washington
No classification provided (evidence only). Condition: Breast-ovarian cancer, familial 1. Review status: no classification provided. Collection method: in vitro. Allele origin: not applicable. Functional consequence: functionally_normal.
ClinVar note: "not provided" was previously submitted as the classification for the variant. However, the classification appeared to be based only on an observation of functional data so it was converted to no classification on 2025-07-30.